The following is an entry in ClinVar:

ClinVar aggregate classification (germline): not provided (0 of 4 stars; one submission).

Allele frequency attached by ClinVar (database versions not stated): ExAC 0.00003; gnomAD 0.00001; gnomAD exomes 0.00003; TOPMed 0.00001.
gnomAD v4.1: 24 of 1,614,104 alleles (0.0015%); highest among the groups gnomAD compares: Non-Finnish European, 0.0014%; no homozygotes.

Submission:

ITMI
No classification provided. Condition: AllHighlyPenetrant. Last evaluated: 2013-09-19. Review status: no classification provided. Collection method: reference population. Allele origin: germline.
Comment: Please see associated publication for description of ethnicities

Literature cited by the submitters: PubMed 24728327.

NM_207122.2(EXT2):c.232C>G (p.Pro78Ala)

Gene: EXT2 (exostosin glycosyltransferase 2; plus strand). Cytogenetic location: 11p11.2.
Variant type: single nucleotide variant.
Coding change: c.232C>G on transcript NM_207122.2 (MANE Select); coding-DNA position 232, C replaced by G.
Protein change: p.Pro78Ala; replaces proline 78 with alanine.
Molecular consequence: missense variant.
Genome position (GRCh38, 1-based): chr11:44,107,944, C>G. VCF-style: chr11-44107944-C-G. GRCh37 (hg19) VCF-style: chr11-44129494-C-G.
Other names: c.331C>G, p.Pro111Ala (NM_000401.3); c.232C>G, p.Pro78Ala (NM_001178083.3, NM_001389628.1, NM_001389630.1); short protein forms P111A, P78A.
Identifiers: ClinVar variation 134209 (VCV000134209.1), dbSNP rs587778299, ClinGen allele CA159136.